The following is an entry in ClinVar:

ClinVar aggregate classification (germline): Uncertain significance. Review status: criteria provided, multiple submitters, no conflicts (2 of 4 stars). 4 submissions from 4 submitters: Uncertain significance (4). Last evaluated 2025-04-25.

Conditions:
Cardiovascular phenotype. Identifiers: MedGen CN230736.
Walker-Warburg congenital muscular dystrophy. Also called: Muscular dystrophy-dystroglycanopathy, type A; Walker-Warburg syndrome. Identifiers: Orphanet 899, MedGen C0265221, MONDO:0000171.

Allele frequency attached by ClinVar (database versions not stated): gnomAD exomes below 0.00001; TOPMed 0.00002; gnomAD 0.00003.
gnomAD v4.1: 5 of 1,609,660 alleles (0.00031%); highest among the groups gnomAD compares: African/African-American, 0.0067%; no homozygotes.

Submissions (4):

Ambry Genetics
Classification: Uncertain significance for Cardiovascular phenotype. Last evaluated: 2025-04-25. Review status: criteria provided, single submitter. Criteria: Ambry Variant Classification Scheme 2023. Collection method: clinical testing. Allele origin: germline.

Labcorp Genetics (formerly Invitae), Labcorp
Classification: Uncertain significance for Walker-Warburg congenital muscular dystrophy. Last evaluated: 2021-08-30. Review status: criteria provided, single submitter. Criteria: Invitae Variant Classification Sherloc (09022015). Collection method: clinical testing. Allele origin: germline.
Comment: This sequence change replaces threonine with proline at codon 15 of the FKRP protein (p.Thr15Pro). The threonine residue is weakly conserved and there is a small physicochemical difference between threonine and proline. This variant is not present in population databases (ExAC no frequency). This variant has not been reported in the literature in individuals affected with FKRP-related conditions. ClinVar contains an entry for this variant (Variation ID: 284975). Algorithms developed to predict the effect of missense changes on protein structure and function are either unavailable or do not agree on the potential impact of this missense change (SIFT: "Deleterious"; PolyPhen-2: "Benign"; Align-GVGD: "Class C0"). In summary, the available evidence is currently insufficient to determine the role of this variant in disease. Therefore, it has been classified as a Variant of Uncertain Significance.

Revvity Omics, Revvity
Classification: Uncertain significance. Last evaluated: 2019-07-08. Review status: criteria provided, single submitter. Criteria: ACMG Guidelines, 2015. Collection method: clinical testing. Allele origin: germline.

Eurofins Ntd Llc (ga)
Classification: Uncertain significance. Last evaluated: 2015-12-11. Review status: criteria provided, single submitter. Criteria: EGL Classification Definitions 2015. Collection method: clinical testing. Allele origin: germline. Observed: 1 variant allele, 1 heterozygote.

NM_024301.5(FKRP):c.43A>C (p.Thr15Pro)

Gene: FKRP (fukutin related protein; plus strand). Cytogenetic location: 19q13.32.
Variant type: single nucleotide variant.
Coding change: c.43A>C on transcript NM_024301.5 (MANE Select); coding-DNA position 43, A replaced by C.
Protein change: p.Thr15Pro; replaces threonine 15 with proline.
Molecular consequence: missense variant.
Genome position (GRCh38, 1-based): chr19:46,755,493, A>C. VCF-style: chr19-46755493-A-C. GRCh37 (hg19) VCF-style: chr19-47258750-A-C.
Other names: c.43A>C, p.Thr15Pro (NM_001039885.3); short protein forms T15P.
Identifiers: ClinVar variation 284975 (VCV000284975.16), dbSNP rs886042998, ClinGen allele CA10604973.